The following is an entry in ClinVar:

ClinVar aggregate classification (germline): Likely benign. Review status: criteria provided, multiple submitters, no conflicts (2 of 4 stars). 2 submissions from 2 submitters: Likely benign (2). Last evaluated 2026-08-01.

Conditions:
Glycine encephalopathy. Also called: Nonketotic hyperglycinemia; Non-ketotic hyperglycinemia. Identifiers: Orphanet 407, MedGen C0751748, MONDO:0011612, HP:0008288.

Allele frequency attached by ClinVar (database versions not stated): TOPMed below 0.00001; ExAC 0.00001; gnomAD 0.00001; gnomAD exomes 0.00001 and 0.00002; 1000 Genomes Project 30x 0.00016.
gnomAD v4.1: 17 of 1,433,930 alleles (0.0012%); highest among the groups gnomAD compares: Admixed American, 0.0034%; no homozygotes.

Submissions (2):

CeGaT Center for Human Genetics Tuebingen
Classification: Likely benign. Last evaluated: 2026-08-01. Review status: criteria provided, single submitter. Criteria: CeGaT Center For Human Genetics Tuebingen Variant Classification Criteria Version 2. Collection method: clinical testing. Allele origin: germline. Affected: yes. Observed: 1 variant allele.
Comment: GLDC: BP4, BP7

Labcorp Genetics (formerly Invitae), Labcorp
Classification: Likely benign for Glycine encephalopathy. Last evaluated: 2025-08-29. Review status: criteria provided, single submitter. Criteria: Invitae Variant Classification Sherloc (09022015). Collection method: clinical testing. Allele origin: germline.

NM_000170.3(GLDC):c.2839-16C>T

Gene: GLDC (glycine decarboxylase; minus strand). Cytogenetic location: 9p24.1.
Variant type: single nucleotide variant.
Coding change: c.2839-16C>T on transcript NM_000170.3 (MANE Select); 16 bases into the intron before coding-DNA position 2839, C replaced by T.
Molecular consequence: intron variant.
Genome position (GRCh38, 1-based): chr9:6,534,804, G>A on the plus strand (C>T on the coding strand, the complement: GLDC is on the minus strand). VCF-style: chr9-6534804-G-A. GRCh37 (hg19) VCF-style: chr9-6534804-G-A.
Identifiers: ClinVar variation 1546893 (VCV001546893.9), dbSNP rs776393477, ClinGen allele CA4980040.